The following is an entry in ClinVar:

ClinVar aggregate classification (germline): Conflicting classifications of pathogenicity. Review status: criteria provided, conflicting classifications (1 of 4 stars). 2 submissions from 2 submitters: Likely pathogenic (1); Uncertain significance (1). Last evaluated 2025-03-04.

Conditions:
Nemaline myopathy. Also called: Myopathies, Nemaline. Identifiers: Orphanet 607, MedGen C0206157, MONDO:0018958.
Nemaline myopathy 2 (NEM2). Also called: Nemaline myopathy 2, autosomal recessive. Identifiers: MedGen C1850569, MONDO:0009725, OMIM 256030.

gnomAD v4.1: 1 of 1,613,166 alleles (0.000062%); highest among the groups gnomAD compares: Non-Finnish European, 0.000085%; no homozygotes.

Submissions (2):

Broad Center for Mendelian Genomics, Broad Institute of MIT and Harvard
Classification: Uncertain significance for Nemaline myopathy. Last evaluated: 2025-03-04. Review status: criteria provided, single submitter. Criteria: ACMG Guidelines, 2015. Collection method: curation. Allele origin: germline. Inheritance: Autosomal recessive inheritance.
Comment: The c.20262+2T>C variant in NEB has not been previously reported in individuals with nemaline myopathy, but has been identified in 0.00009% (1/1179396) of European (non-Finnish) chromosomes by the Genome Aggregation Database (gnomAD). Although this variant has been seen in the general population in a heterozygous state, its frequency is low enough to be consistent with a recessive carrier frequency. This variant has also been reported in ClinVar (Variation ID: 1066514) and has been interpreted as likely pathogenic by Invitae. This variant is located in the 5' splice region. Computational tools predict a splicing impact, though this information is not predictive enough to determine pathogenicity. There is an in-frame cryptic splice site 9 bases from the intron-exon boundary, providing evidence that this variant may delete 3 amino acids instead of causing loss of function. However, this information is not predictive enough to determine pathogenicity. Loss of function of the NEB gene is an established disease mechanism in autosomal recessive nemaline myopathy. In summary, the clinical significance of the c.20262+2T>C variant is uncertain. ACMG/AMP Criteria applied: PVS1_strong, PM2_supporting (Richards 2015).

Labcorp Genetics (formerly Invitae), Labcorp
Classification: Likely pathogenic for Nemaline myopathy 2. Last evaluated: 2022-08-21. Review status: criteria provided, single submitter. Criteria: Invitae Variant Classification Sherloc (09022015). Collection method: clinical testing. Allele origin: germline.
Comment: In summary, the currently available evidence indicates that the variant is pathogenic, but additional data are needed to prove that conclusively. Therefore, this variant has been classified as Likely Pathogenic. Algorithms developed to predict the effect of sequence changes on RNA splicing suggest that this variant may disrupt the consensus splice site. This variant has not been reported in the literature in individuals affected with NEB-related conditions. This variant is not present in population databases (gnomAD no frequency). This sequence change affects a donor splice site in intron 132 of the NEB gene. It is expected to disrupt RNA splicing. Variants that disrupt the donor or acceptor splice site typically lead to a loss of protein function (PMID: 16199547), and loss-of-function variants in NEB are known to be pathogenic (PMID: 25205138).

Literature cited by the submitters: PubMed 16199547 (cited by Labcorp Genetics (formerly Invitae), Labcorp); PubMed 25205138 (cited by Labcorp Genetics (formerly Invitae), Labcorp).

NM_001164508.2(NEB):c.20262+2T>C

Gene: NEB (nebulin; minus strand). Cytogenetic location: 2q23.3.
Variant type: single nucleotide variant.
Coding change: c.20262+2T>C on transcript NM_001164508.2 (MANE Select); the canonical splice donor site of the intron after coding-DNA position 20262, T replaced by C.
Molecular consequence: splice donor variant.
Genome position (GRCh38, 1-based): chr2:151,547,632, A>G on the plus strand (T>C on the coding strand, the complement: NEB is on the minus strand). VCF-style: chr2-151547632-A-G. GRCh37 (hg19) VCF-style: chr2-152404146-A-G.
Other names: c.15159+2T>C (NM_004543.5); c.20262+2T>C (NM_001164507.2, NM_001271208.2).
Identifiers: ClinVar variation 2025526 (VCV002025526.5), dbSNP rs2153617573, ClinGen allele CA348783508.